The following is an entry in ClinVar:

ClinVar aggregate classification (germline): Likely pathogenic (1 of 4 stars; one submission).

Allele frequency attached by ClinVar (database versions not stated): TOPMed 0.00001.
gnomAD v4.1: 2 of 1,613,848 alleles (0.00012%); highest among the groups gnomAD compares: Non-Finnish European, 0.00017%; no homozygotes.

Submission:

Labcorp Genetics (formerly Invitae), Labcorp
Classification: Likely pathogenic. Last evaluated: 2025-03-25. Review status: criteria provided, single submitter. Criteria: Invitae Variant Classification Sherloc (09022015). Collection method: clinical testing. Allele origin: germline.
Comment: This sequence change affects an acceptor splice site in intron 2 of the ARMC9 gene. It is expected to disrupt RNA splicing. Variants that disrupt the donor or acceptor splice site typically lead to a loss of protein function (PMID: 16199547), and loss-of-function variants in ARMC9 are known to be pathogenic (PMID: 28625504). This variant is present in population databases (no rsID available, gnomAD 0.0009%). This variant has not been reported in the literature in individuals affected with ARMC9-related conditions. ClinVar contains an entry for this variant (Variation ID: 1066488). Algorithms developed to predict the effect of sequence changes on RNA splicing suggest that this variant may disrupt the consensus splice site. In summary, the currently available evidence indicates that the variant is pathogenic, but additional data are needed to prove that conclusively. Therefore, this variant has been classified as Likely Pathogenic.

Literature cited by the submitters: PubMed 16199547; PubMed 28625504.

NM_001352754.2(ARMC9):c.178-2A>G

Gene: ARMC9 (armadillo repeat containing 9; plus strand). Cytogenetic location: 2q37.1.
Variant type: single nucleotide variant.
Coding change: c.178-2A>G on transcript NM_001352754.2 (MANE Select); the canonical splice acceptor site of the intron before coding-DNA position 178, A replaced by G.
Molecular consequence: splice acceptor variant.
Genome position (GRCh38, 1-based): chr2:231,214,829, A>G. VCF-style: chr2-231214829-A-G. GRCh37 (hg19) VCF-style: chr2-232079542-A-G.
Other names: c.178-2A>G (NM_001271466.4, NM_001352755.2, NM_001352756.2 and 5 more transcripts).
Identifiers: ClinVar variation 1066488 (VCV001066488.7), dbSNP rs1248147660, ClinGen allele CA350945803.